The following is an entry in ClinVar:

NM_000359.3(TGM1):c.2180G>A (p.Arg727Gln)

Gene: TGM1 (transglutaminase 1; minus strand). Cytogenetic location: 14q12.
Variant type: single nucleotide variant.
Coding change: c.2180G>A on transcript NM_000359.3 (MANE Select); coding-DNA position 2180, G replaced by A.
Protein change: p.Arg727Gln; replaces arginine 727 with glutamine.
Molecular consequence: missense variant.
Genome position (GRCh38, 1-based): chr14:24,254,197, C>T on the plus strand (G>A on the coding strand, the complement: TGM1 is on the minus strand). VCF-style: chr14-24254197-C-T. GRCh37 (hg19) VCF-style: chr14-24723403-C-T.
Other names: short protein forms R727Q.
Identifiers: ClinVar variation 554032 (VCV000554032.3), dbSNP rs775373347, ClinGen allele CA7130862.

ClinVar aggregate classification (germline): Uncertain significance. Review status: criteria provided, single submitter (1 of 4 stars). 2 submissions from 2 submitters: Uncertain significance (1). 1 of the submissions does not count toward it. Last evaluated 2023-05-10.

Conditions:
Autosomal recessive congenital ichthyosis 1 (LI1). Also called: ICHTHYOSIS, CONGENITAL, AUTOSOMAL RECESSIVE 1, WITH BATHING SUIT DISTRIBUTION; ICHTHYOSIS, CONGENITAL, AUTOSOMAL RECESSIVE 1, WITH OR WITHOUT BATHING SUIT DISTRIBUTION; COLLODION FETUS; DESQUAMATION OF NEWBORN; ICHTHYOSIS CONGENITA; ICHTHYOSIS CONGENITA II. Identifiers: MedGen C4551630, MONDO:0009441, OMIM 242300.

Allele frequency attached by ClinVar (database versions not stated): TOPMed 0.00002; ExAC 0.00001; gnomAD 0.00001; gnomAD exomes 0.00002.
gnomAD v4.1: 23 of 1,613,632 alleles (0.0014%); highest among the groups gnomAD compares: Middle Eastern, 0.016%; 1 homozygote.

Submissions (2):

Women's Health and Genetics/Laboratory Corporation of America, LabCorp
Classification: Uncertain significance. Last evaluated: 2023-05-10. Review status: criteria provided, single submitter. Criteria: LabCorp Variant Classification Summary - May 2015. Collection method: clinical testing. Allele origin: germline.
Comment: Variant summary: TGM1 c.2180G>A (p.Arg727Gln) results in a conservative amino acid change in the encoded protein sequence. Three of five in-silico tools predict a benign effect of the variant on protein function. The variant allele was found at a frequency of 1.6e-05 in 250606 control chromosomes in the gnomAD database, including 1 homozygotes. The available data on variant occurrences in the general population are insufficient to allow any conclusion about variant significance. c.2180G>A has been reported in the literature in individuals affected with Lamellar Ichthyosis (Tanahashi_2014). These data do not allow any conclusion about variant significance. To our knowledge, no experimental evidence demonstrating an impact on protein function has been reported. The following publications have been ascertained in the context of this evaluation (PMID: 24419105). One clinical diagnostic laboratory has submitted clinical-significance assessments for this variant to ClinVar after 2014 and classified the variant as uncertain significance. Based on the evidence outlined above, the variant was classified as uncertain significance.

Counsyl
Classification: Uncertain significance for Autosomal recessive congenital ichthyosis 1. Last evaluated: 2017-09-22. Review status: no assertion criteria provided. Collection method: clinical testing. Allele origin: unknown. Not counted in ClinVar's aggregate classification.

Literature cited by the submitters: PubMed 24419105 (cited by Women's Health and Genetics/Laboratory Corporation of America, LabCorp and Counsyl).